The following is an entry in ClinVar:

ClinVar aggregate classification (germline): Uncertain significance (1 of 4 stars; one submission).

Allele frequency attached by ClinVar (database versions not stated): gnomAD 0.00001; TOPMed 0.00002.
gnomAD v4.1: 1 of 1,601,088 alleles (0.000062%); highest among the groups gnomAD compares: African/African-American, 0.0014%; no homozygotes.

Submission:

Ambry Genetics
Classification: Uncertain significance. Last evaluated: 2023-09-20. Review status: criteria provided, single submitter. Criteria: Ambry Variant Classification Scheme 2023. Collection method: clinical testing. Allele origin: germline.
Comment: The p.L143V variant (also known as c.427C>G), located in coding exon 4 of the BUB3 gene, results from a C to G substitution at nucleotide position 427. The leucine at codon 143 is replaced by valine, an amino acid with highly similar properties. This amino acid position is conserved. In addition, the in silico prediction for this alteration is inconclusive. Since supporting evidence is limited at this time, the clinical significance of this alteration remains unclear.

NM_004725.4(BUB3):c.427C>G (p.Leu143Val)

Gene: BUB3 (BUB3 mitotic checkpoint protein; plus strand). Cytogenetic location: 10q26.13.
Variant type: single nucleotide variant.
Coding change: c.427C>G on transcript NM_004725.4 (MANE Select); coding-DNA position 427, C replaced by G.
Protein change: p.Leu143Val; replaces leucine 143 with valine.
Molecular consequence: missense variant.
Genome position (GRCh38, 1-based): chr10:123,160,416, C>G. VCF-style: chr10-123160416-C-G. GRCh37 (hg19) VCF-style: chr10-124919932-C-G.
Other names: c.427C>G, p.Leu143Val (NM_001007793.3); short protein forms L143V.
Identifiers: ClinVar variation 3224501 (VCV003224501.1), dbSNP rs888737159, ClinGen allele CA215183155.